The following is an entry in ClinVar:

NM_030962.4(SBF2):c.4180G>C (p.Val1394Leu)

Genes: SBF2 (SET binding factor 2; minus strand), SBF2-AS1 (SBF2 antisense RNA 1; plus strand). Cytogenetic location: 11p15.4.
Variant type: single nucleotide variant.
Coding change: c.4180G>C on transcript NM_030962.4 (MANE Select); coding-DNA position 4180, G replaced by C.
Protein change: p.Val1394Leu; replaces valine 1394 with leucine.
Molecular consequence: missense variant. On other transcripts: non-coding transcript variant (1).
Genome position (GRCh38, 1-based): chr11:9,808,978, C>G on the plus strand (G>C on the coding strand, the complement: SBF2 is on the minus strand). VCF-style: chr11-9808978-C-G. GRCh37 (hg19) VCF-style: chr11-9830525-C-G.
Other names: c.4276G>C, p.Val1426Leu (NM_001386339.1); c.4051G>C, p.Val1351Leu (NM_001386342.1); short protein forms V1351L, V1394L, V1426L.
Identifiers: ClinVar variation 1039943 (VCV001039943.6), dbSNP rs142029000, ClinGen allele CA5881028.

ClinVar aggregate classification (germline): Uncertain significance (1 of 4 stars; one submission).

Conditions:
Charcot-Marie-Tooth disease type 4. Also called: Charcot-Marie-Tooth, Type 4; Charcot-Marie-Tooth disease, type IV. Identifiers: Orphanet 64749, MedGen C4082197, MONDO:0018995.

Allele frequency attached by ClinVar (database versions not stated): gnomAD exomes 0.00001; ESP Exome Variant Server 0.00008; ExAC 0.00002.
gnomAD v4.1: 3 of 1,614,006 alleles (0.00019%); highest among the groups gnomAD compares: Non-Finnish European, 0.00025%; no homozygotes.

Submission:

Labcorp Genetics (formerly Invitae), Labcorp
Classification: Uncertain significance for Charcot-Marie-Tooth disease type 4. Last evaluated: 2021-08-26. Review status: criteria provided, single submitter. Criteria: Invitae Variant Classification Sherloc (09022015). Collection method: clinical testing. Allele origin: germline.
Comment: This sequence change replaces valine with leucine at codon 1394 of the SBF2 protein (p.Val1394Leu). The valine residue is moderately conserved and there is a small physicochemical difference between valine and leucine. This variant is present in population databases (rs142029000, ExAC 0.003%). This variant has not been reported in the literature in individuals affected with SBF2-related conditions. Algorithms developed to predict the effect of missense changes on protein structure and function output the following: SIFT: "Tolerated"; PolyPhen-2: "Benign"; Align-GVGD: "Class C0". The leucine amino acid residue is found in multiple mammalian species, which suggests that this missense change does not adversely affect protein function. In summary, the available evidence is currently insufficient to determine the role of this variant in disease. Therefore, it has been classified as a Variant of Uncertain Significance.